The following is an entry in ClinVar:

NM_004333.6(BRAF):c.254A>G (p.Tyr85Cys)

Gene: BRAF (B-Raf proto-oncogene, serine/threonine kinase; minus strand). Cytogenetic location: 7q34.
Variant type: single nucleotide variant.
Coding change: c.254A>G on transcript NM_004333.6 (MANE Select); coding-DNA position 254, A replaced by G.
Protein change: p.Tyr85Cys; replaces tyrosine 85 with cysteine.
Molecular consequence: missense variant. On other transcripts: intron variant (1).
Genome position (GRCh38, 1-based): chr7:140,834,859, T>C on the plus strand (A>G on the coding strand, the complement: BRAF is on the minus strand). VCF-style: chr7-140834859-T-C. GRCh37 (hg19) VCF-style: chr7-140534659-T-C.
Other names: c.254A>G, p.Tyr85Cys (NM_001354609.2, NM_001374244.1, NM_001374258.1 and 5 more transcripts); c.152A>G, p.Tyr51Cys (NM_001378470.1); c.98A>G, p.Tyr33Cys (NM_001378472.1, NM_001378473.1); c.240+15252A>G (NM_001378475.1); short protein forms Y85C, Y33C, Y51C.
Identifiers: ClinVar variation 429447 (VCV000429447.9), dbSNP rs1131691387, ClinGen allele CA369593942.

ClinVar aggregate classification (germline): Uncertain significance. Review status: criteria provided, multiple submitters, no conflicts (2 of 4 stars). 6 submissions from 6 submitters: Uncertain significance (6). Last evaluated 2025-12-20.

Conditions:
Cardiofaciocutaneous syndrome 1 (CFC1). Also called: BRAF-Related Cardiofaciocutaneous Syndrome; MAP2K1-Related Cardiofaciocutaneous Syndrome; KRAS-Related Cardiofaciocutaneous Syndrome; MAP2K2-Related Cardiofaciocutaneous Syndrome. Identifiers: Orphanet 1340, MedGen CN029449, MONDO:0007265, OMIM 115150. Disease mechanism: gain of function.
LEOPARD syndrome 3 (LPRD3). Identifiers: Orphanet 500, MedGen C3150971, MONDO:0013380, OMIM 613707.
Noonan syndrome 7 (NS7). Also called: BRAF-Related Noonan Syndrome. Identifiers: Orphanet 648, MedGen C3150970, MONDO:0013379, OMIM 613706.
Cardiovascular phenotype. Identifiers: MedGen CN230736.
RASopathy. Also called: Noonan spectrum disorder; rasopathies. Identifiers: Orphanet 536391, MedGen C5555857, MONDO:0021060.

Allele frequency attached by ClinVar (database versions not stated): gnomAD 0.00001; gnomAD exomes 0.00001; TOPMed 0.00001.
gnomAD v4.1: 7 of 1,614,040 alleles (0.00043%); highest among the groups gnomAD compares: Non-Finnish European, 0.00051%; no homozygotes.

Submissions (6):

Labcorp Genetics (formerly Invitae), Labcorp
Classification: Uncertain significance for RASopathy. Last evaluated: 2025-12-20. Review status: criteria provided, single submitter. Criteria: Invitae Variant Classification Sherloc (09022015). Collection method: clinical testing. Allele origin: germline.
Comment: This sequence change replaces tyrosine, which is neutral and polar, with cysteine, which is neutral and slightly polar, at codon 85 of the BRAF protein (p.Tyr85Cys). This variant is present in population databases (no rsID available, gnomAD 0.007%). This variant has not been reported in the literature in individuals affected with BRAF-related conditions. ClinVar contains an entry for this variant (Variation ID: 429447). Invitae Evidence Modeling of protein sequence and biophysical properties (such as structural, functional, and spatial information, amino acid conservation, physicochemical variation, residue mobility, and thermodynamic stability) indicates that this missense variant is expected to disrupt BRAF protein function with a positive predictive value of 95%. In summary, the available evidence is currently insufficient to determine the role of this variant in disease. Therefore, it has been classified as a Variant of Uncertain Significance.

Clinical Genomics Laboratory, Washington University in St. Louis
Classification: Uncertain significance for Noonan syndrome 7; Cardiofaciocutaneous syndrome 1; LEOPARD syndrome 3. Last evaluated: 2025-06-20. Review status: criteria provided, single submitter. Criteria: ACMG Guidelines, 2015. Collection method: clinical testing. Allele origin: germline.
Comment: The BRAF c.254A>G (p.Tyr85Cys) variant, to our knowledge, has not been reported in the medical literature. This variant has been reported in the ClinVar database as a germline variant of uncertain significance by four submitters. This variant is only observed on 7/1,614,040 alleles in the general population (gnomAD v.4.1.0), indicating it is not a common variant. Computational predictors are uncertain as to the impact of this variant on BRAF function. Due to limited information, and based on ACMG/AMP guidelines for variant interpretation (Richards S et al., PMID: 25741868), the clinical significance of this variant is uncertain at this time.

Ambry Genetics
Classification: Uncertain significance for Cardiovascular phenotype. Last evaluated: 2024-12-25. Review status: criteria provided, single submitter. Criteria: Ambry Variant Classification Scheme 2023. Collection method: clinical testing. Allele origin: germline.

St. Jude Molecular Pathology, St. Jude Children's Research Hospital
Classification: Uncertain significance for Noonan syndrome 7. Last evaluated: 2022-08-10. Review status: criteria provided, single submitter. Criteria: St. Jude Assertion Criteria 2020. Collection method: clinical testing. Allele origin: germline.
Comment: The BRAF c.254A>G (p.Tyr85Cys) missense change has a maximum subpopulation frequency of 0.0065% in gnomAD v2.1.1. The in silico tool REVEL is inconclusive about a pathogenic or benign effect of this variant on protein function, and to our knowledge functional studies have not been performed. In summary, the evidence currently available is insufficient to determine the clinical significance of this variant. It has therefore been classified as of uncertain significance.

GeneDx
Classification: Uncertain significance. Last evaluated: 2017-05-08. Review status: criteria provided, single submitter. Criteria: GeneDx Variant Classification (06012015). Collection method: clinical testing. Allele origin: germline. Affected: yes.
Comment: The Y85C variant in the BRAF gene has not been reported previously as a pathogenic variant, nor as a benign variant, to our knowledge. The Y85C variant is not observed in large population cohorts (Lek et al., 2016; 1000 Genomes Consortium et al., 2015; Exome Variant Server). The Y85C variant is a non-conservative amino acid substitution, which is likely to impact secondary protein structure as these residues differ in polarity, charge, size and/or other properties. This substitution occurs at a position that is conserved across species, but in silico analysis is inconsistent in its predictions as to whether or not the variant is damaging to the protein structure/function. We interpret Y85C as a variant of uncertain significance.

Women's Health and Genetics/Laboratory Corporation of America, LabCorp
Classification: Uncertain significance. Last evaluated: 2016-07-11. Review status: criteria provided, single submitter. Criteria: LabCorp Variant Classification Summary - May 2015. Collection method: clinical testing. Allele origin: germline.
Comment: Variant summary: The BRAF c.254A>G (p.Tyr85Cys) variant involves the alteration of a conserved nucleotide. 4/4 in silico tools predict a damaging outcome for this variant (SNPs&GO not captured due to low reliability index). It has not been reported in any known protein domain in UniProt, Entrez gene, and Ensemble. This variant was absent in 121104 control chromosomes and has not, to our knowledge, been reported in affected individuals via publications and/or reputable databases/clinical diagnostic laboratories; nor evaluated for functional impact by in vivo/vitro studies. Because of the absence of clinical information and the lack of functional studies, the variant has currently been classified as a variant of uncertain significance (VUS) until additional information becomes available.